The following is an entry in ClinVar:

NM_000371.4(TTR):c.208A>C (p.Ser70Arg)

Gene: TTR (transthyretin; plus strand). Cytogenetic location: 18q12.1.
Variant type: single nucleotide variant.
Coding change: c.208A>C on transcript NM_000371.4 (MANE Select); coding-DNA position 208, A replaced by C.
Protein change: p.Ser70Arg; replaces serine 70 with arginine.
Molecular consequence: missense variant.
Genome position (GRCh38, 1-based): chr18:31,595,127, A>C. VCF-style: chr18-31595127-A-C. GRCh37 (hg19) VCF-style: chr18-29175090-A-C.
Other names: short protein forms S70R.
Identifiers: ClinVar variation 36889 (VCV000036889.4), dbSNP rs386134269, ClinGen allele CA260564.

ClinVar aggregate classification (germline): Pathogenic/Likely pathogenic. Review status: criteria provided, multiple submitters, no conflicts (2 of 4 stars). 2 submissions from 2 submitters: Pathogenic (1); Likely pathogenic (1). Last evaluated 2024-10-08.

Conditions:
Amyloidosis, hereditary systemic 1 (AMYLD1). Also called: Hereditary Transthyretin Amyloidosis; AMYLOID CARDIOMYOPATHY; Familial amyloid polyneuropathy; Isolated Cardiac Amyloidosis; Amyloid Cardiomyopathy, Transthyretin-related; Transthyretin Amyloidosis. Identifiers: Orphanet 85447, Orphanet 85451, MedGen C2751492, MONDO:0971004, OMIM 105210.

Submissions (2):

Mayo Clinic Laboratories, Mayo Clinic
Classification: Pathogenic. Last evaluated: 2024-10-08. Review status: criteria provided, single submitter. Criteria: ACMG Guidelines, 2015. Collection method: clinical testing. Allele origin: germline. Observed: 1 variant allele.
Comment: PP3, PP4, PM1, PM2_supporting, PS1, PS4_moderate

Women's Health and Genetics/Laboratory Corporation of America, LabCorp
Classification: Likely pathogenic for Transthyretin Amyloidosis. Last evaluated: 2011-08-18. Review status: criteria provided, single submitter. Criteria: LabCorp Variant Classification Summary - May 2015. Collection method: curation. Allele origin: germline. Inheritance: autosomal dominant. Affected: yes. Observed: 4 variant alleles.
ClinVar note: Converted during submission from likely pathogenic to Likely pathogenic.

Literature cited by the submitters: PubMed 17503405 (cited by Mayo Clinic Laboratories, Mayo Clinic and Women's Health and Genetics/Laboratory Corporation of America, LabCorp); PubMed 17577688 (cited by Mayo Clinic Laboratories, Mayo Clinic and Women's Health and Genetics/Laboratory Corporation of America, LabCorp); PubMed 20686303 (cited by Mayo Clinic Laboratories, Mayo Clinic and Women's Health and Genetics/Laboratory Corporation of America, LabCorp); PubMed 16357452 (cited by Women's Health and Genetics/Laboratory Corporation of America, LabCorp); PubMed 2363717 (cited by Women's Health and Genetics/Laboratory Corporation of America, LabCorp); PubMed 1335038 (cited by Women's Health and Genetics/Laboratory Corporation of America, LabCorp); PubMed 15123043 (cited by Women's Health and Genetics/Laboratory Corporation of America, LabCorp); PubMed 11940682 (cited by Women's Health and Genetics/Laboratory Corporation of America, LabCorp).